The following is an entry in ClinVar:

ClinVar aggregate classification (germline): Uncertain significance (1 of 4 stars; one submission).

Submission:

GeneDx
Classification: Uncertain significance. Last evaluated: 2025-03-07. Review status: criteria provided, single submitter. Criteria: GeneDx Variant Classification Process June 2021. Collection method: clinical testing. Allele origin: germline. Affected: yes.
Comment: Not observed at significant frequency in large population cohorts (gnomAD); In silico analysis indicates that this missense variant does not alter protein structure/function; Has not been previously published as pathogenic or benign to our knowledge

NM_006662.3(SRCAP):c.2815C>G (p.Gln939Glu)

Gene: SRCAP (Snf2 related CREBBP activator protein; plus strand). Cytogenetic location: 16p11.2.
Variant type: single nucleotide variant.
Coding change: c.2815C>G on transcript NM_006662.3 (MANE Select); coding-DNA position 2815, C replaced by G.
Protein change: p.Gln939Glu; replaces glutamine 939 with glutamic acid.
Molecular consequence: missense variant.
Genome position (GRCh38, 1-based): chr16:30,716,477, C>G. VCF-style: chr16-30716477-C-G. GRCh37 (hg19) VCF-style: chr16-30727798-C-G.
Other names: short protein forms Q939E.
Identifiers: ClinVar variation 4083174 (VCV004083174.1).
Genomic context (GRCh38, chr16:30,716,477, plus strand): 5'-CCAGGCATCTGCTTCAGCACCGCCTCTCTGGTGCTAAGGGCCACGGATGTCCATCCCCTC[C>G]AGGTAAGTATGATTCCATTAATATGAAATGTAAAGGTTATCGGCATTACTCCAACCATGT-3'
Protein context (NP_006653.2, residues 929-949): VLRATDVHPL[Gln939Glu]RIDMGRFDLI